The following is an entry in ClinVar:

ClinVar aggregate classification (germline): Likely benign (0 of 4 stars; one submission).

Conditions:
NCAPH-related disorder. Also called: NCAPH-related condition.

Allele frequency attached by ClinVar (database versions not stated): ExAC 0.00006; gnomAD 0.00023; TOPMed 0.00025; 1000 Genomes Project 30x 0.00031; ESP Exome Variant Server 0.00031; 1000 Genomes Project 0.00040.
gnomAD v4.1: 81 of 1,614,142 alleles (0.005%); highest among the groups gnomAD compares: African/African-American, 0.1%; no homozygotes.

Submission:

PreventionGenetics, part of Exact Sciences
Classification: Likely benign for NCAPH-related condition. Last evaluated: 2019-12-31. Review status: no assertion criteria provided. Collection method: clinical testing. Allele origin: germline.
Comment: This variant is classified as likely benign based on ACMG/AMP sequence variant interpretation guidelines (Richards et al. 2015 PMID: 25741868, with internal and published modifications).

NM_015341.5(NCAPH):c.525T>C (p.Asp175=)

Gene: NCAPH (non-SMC condensin I complex subunit H; plus strand). Cytogenetic location: 2q11.2.
Variant type: single nucleotide variant.
Coding change: c.525T>C on transcript NM_015341.5 (MANE Select); coding-DNA position 525, T replaced by C.
Protein change: p.Asp175=; no amino-acid change (aspartic acid 175 retained).
Molecular consequence: synonymous variant.
Genome position (GRCh38, 1-based): chr2:96,343,234, T>C. VCF-style: chr2-96343234-T-C. GRCh37 (hg19) VCF-style: chr2-97008972-T-C.
Other names: c.492T>C, p.Asp164= (NM_001281710.2); c.453T>C, p.Asp151= (NM_001281711.2); c.117T>C, p.Asp39= (NM_001281712.2).
Identifiers: ClinVar variation 3038915 (VCV003038915.2), dbSNP rs149407661, ClinGen allele CA1779841.